The following is an entry in ClinVar:

NM_001388303.1(HECTD4):c.12488A>G (p.Gln4163Arg)

Gene: HECTD4 (HECT domain E3 ubiquitin protein ligase 4; minus strand). Cytogenetic location: 12q24.13.
Variant type: single nucleotide variant.
Coding change: c.12488A>G on transcript NM_001388303.1 (MANE Select); coding-DNA position 12488, A replaced by G.
Protein change: p.Gln4163Arg; replaces glutamine 4163 with arginine.
Molecular consequence: missense variant.
Genome position (GRCh38, 1-based): chr12:112,167,363, T>C on the plus strand (A>G on the coding strand, the complement: HECTD4 is on the minus strand). VCF-style: chr12-112167363-T-C. GRCh37 (hg19) VCF-style: chr12-112605167-T-C.
Other names: c.12518A>G, p.Gln4173Arg (NM_001109662.4); short protein forms Q4163R, Q4173R.
Identifiers: ClinVar variation 3048931 (VCV003048931.2), dbSNP rs189667513, ClinGen allele CA6795623.
Genomic context (GRCh38, chr12:112,167,363, plus strand): 5'-TGCCTTGCACTCACGCTCTCAAACTTCTTGACGTAATTGTAGGTGAGGATATCCGCTTCC[T>C]GCAGGTCTTGCTCAGGGTCCAAGGGCTCGCCCACCAGCGTCTTCCAGAAGGAGGGCAGGA-3'
Protein context (NP_001375232.1, residues 4153-4173): GEPLDPEQDL[Gln4163Arg]EADILTYNYV

ClinVar aggregate classification (germline): Likely benign (0 of 4 stars; one submission).

Conditions:
HECTD4-related disorder. Also called: HECTD4-related condition.

Allele frequency attached by ClinVar (database versions not stated): TOPMed 0.00094; 1000 Genomes Project 0.00100; gnomAD 0.00124; ESP Exome Variant Server 0.00136; ExAC 0.00143; 1000 Genomes Project 30x 0.00172; gnomAD exomes 0.00175.
gnomAD v4.1: 2,746 of 1,613,806 alleles (0.17%); highest among the groups gnomAD compares: Non-Finnish European, 0.19%; 4 homozygotes.

Submission:

PreventionGenetics, part of Exact Sciences
Classification: Likely benign for HECTD4-related condition. Last evaluated: 2022-02-01. Review status: no assertion criteria provided. Collection method: clinical testing. Allele origin: germline.
Comment: This variant is classified as likely benign based on ACMG/AMP sequence variant interpretation guidelines (Richards et al. 2015 PMID: 25741868, with internal and published modifications).